The following is an entry in ClinVar:

ClinVar aggregate classification (germline): Uncertain significance (1 of 4 stars; one submission).

Submission:

Ambry Genetics
Classification: Uncertain significance. Last evaluated: 2024-05-20. Review status: criteria provided, single submitter. Criteria: Ambry Variant Classification Scheme 2023. Collection method: clinical testing. Allele origin: germline.
Comment: The p.S661N variant (also known as c.1982G>A), located in coding exon 18 of the BUB1 gene, results from a G to A substitution at nucleotide position 1982. The serine at codon 661 is replaced by asparagine, an amino acid with highly similar properties. This amino acid position is conserved. In addition, this alteration is predicted to be tolerated by in silico analysis. Based on the available evidence, the clinical significance of this variant remains unclear.

NM_004336.5(BUB1):c.1982G>A (p.Ser661Asn)

Gene: BUB1 (BUB1 mitotic checkpoint serine/threonine kinase; minus strand). Cytogenetic location: 2q13.
Variant type: single nucleotide variant.
Coding change: c.1982G>A on transcript NM_004336.5 (MANE Select); coding-DNA position 1982, G replaced by A.
Protein change: p.Ser661Asn; replaces serine 661 with asparagine.
Molecular consequence: missense variant.
Genome position (GRCh38, 1-based): chr2:110,650,767, C>T on the plus strand (G>A on the coding strand, the complement: BUB1 is on the minus strand). VCF-style: chr2-110650767-C-T. GRCh37 (hg19) VCF-style: chr2-111408344-C-T.
Other names: c.1922G>A, p.Ser641Asn (NM_001278616.2); c.1982G>A, p.Ser661Asn (NM_001278617.2); short protein forms S641N, S661N.
Identifiers: ClinVar variation 3262118 (VCV003262118.1).